The following is an entry in ClinVar:

NM_175914.5(HNF4A):c.121T>C (p.Cys41Arg)

Gene: HNF4A (hepatocyte nuclear factor 4 alpha; plus strand). Cytogenetic location: 20q13.12.
Variant type: single nucleotide variant.
Coding change: c.121T>C on transcript NM_175914.5 (MANE Select); coding-DNA position 121, T replaced by C.
Protein change: p.Cys41Arg; replaces cysteine 41 with arginine.
Molecular consequence: missense variant.
Genome position (GRCh38, 1-based): chr20:44,406,129, T>C. VCF-style: chr20-44406129-T-C. GRCh37 (hg19) VCF-style: chr20-43034769-T-C.
Other names: c.187T>C, p.Cys63Arg (NM_000457.6, NM_178849.3, NM_178850.3); c.121T>C, p.Cys41Arg (NM_001030003.3, NM_001030004.3); c.166T>C, p.Cys56Arg (NM_001258355.2); c.112T>C, p.Cys38Arg (NM_001287182.2, NM_001287183.2, NM_001287184.2); short protein forms C38R, C41R, C56R, C63R.
Identifiers: ClinVar variation 4082446 (VCV004082446.2).

ClinVar aggregate classification (germline): Likely pathogenic (1 of 4 stars; one submission).

Submission:

Genetic Services Laboratory, University of Chicago
Classification: Likely pathogenic. Last evaluated: 2023-07-27. Review status: criteria provided, single submitter. Criteria: ACMG Guidelines, 2015. Collection method: clinical testing. Allele origin: germline. Affected: yes.
Comment: DNA sequence analysis of the HNF4A gene demonstrated a sequence change, c.121T>C, in exon 2 that results in an amino acid change, p.Cys41Arg. This sequence change does not appear to have been previously described in individuals with HNF4A-related disorders and has also not been described in population databases such as ExAC and gnomAD. The p.Cys41Arg change affects a highly conserved amino acid residue located in a domain of the HNF4A protein that is known to be functional. The p.Cys41Arg substitution appears to be deleterious using several in-silico pathogenicity prediction tools (SIFT, PolyPhen2, Align GVGD, REVEL). Collectively, this evidence indicates that this sequence change is likely pathogenic ; however functional studies have not been performed to prove this conclusively